The following is an entry in ClinVar:

ClinVar aggregate classification (germline): Conflicting classifications of pathogenicity. Review status: criteria provided, conflicting classifications (1 of 4 stars). 14 submissions from 14 submitters: Uncertain significance (1); Benign (3); Likely benign (10). Last evaluated 2026-03-01.

Conditions:
BRCA2-related disorder. Also called: BRCA2-related condition; BRCA2-related disorders. Identifiers: MedGen CN239275.
Hereditary cancer-predisposing syndrome. Also called: Tumor predisposition; Neoplastic Syndromes, Hereditary; Hereditary Cancer Syndrome; Hereditary neoplastic syndrome. Identifiers: Orphanet 140162, MedGen C0027672, MeSH D009386, MONDO:0015356.
Hereditary breast ovarian cancer syndrome. Also called: Hereditary breast and ovarian cancer; Hereditary breast and ovarian cancer syndrome (HBOC); Breast and ovarian cancer; Hereditary breast and/or ovarian cancer syndrome; BRCA1- and BRCA2-Associated Hereditary Breast and Ovarian Cancer; Hereditary breast and ovarian cancer syndrome. Identifiers: Orphanet 145, MedGen C0677776, MeSH D061325, MONDO:0003582. Disease mechanism: loss of function.
Breast-ovarian cancer, familial, susceptibility to, 2 (BROVCA2). Also called: BRCA2 Hereditary Breast and Ovarian Cancer. Identifiers: Orphanet 145, MedGen C2675520, MONDO:0012933, OMIM 612555. Disease mechanism: loss of function.

Allele frequency attached by ClinVar (database versions not stated): gnomAD exomes 0.00001 and below 0.00001; gnomAD 0.00001.
gnomAD v4.1: 23 of 1,613,486 alleles (0.0014%); highest among the groups gnomAD compares: Middle Eastern, 0.35%; no homozygotes.

Submissions (14):

CeGaT Center for Human Genetics Tuebingen
Classification: Uncertain significance. Last evaluated: 2026-03-01. Review status: criteria provided, single submitter. Criteria: CeGaT Center For Human Genetics Tuebingen Variant Classification Criteria Version 2. Collection method: clinical testing. Allele origin: germline. Affected: yes. Observed: 1 variant allele.
Comment: BRCA2: PM2, BP1, BP4

Labcorp Genetics (formerly Invitae), Labcorp
Classification: Likely benign for Hereditary breast ovarian cancer syndrome. Last evaluated: 2026-01-19. Review status: criteria provided, single submitter. Criteria: Invitae Variant Classification Sherloc (09022015). Collection method: clinical testing. Allele origin: germline.

Institute for Biomarker Research, Medical Diagnostic Laboratories, L.L.C.
Classification: Likely benign for Hereditary breast ovarian cancer syndrome. Last evaluated: 2025-08-27. Review status: criteria provided, single submitter. Criteria: ACMG Guidelines, 2015. Collection method: clinical testing. Allele origin: germline.
Comment: The missense variant NM_000059.4(BRCA2):c.122C>T (p.Pro41Leu) has been reported to ClinVar as Benign/Likely benign with a status of (2 stars) criteria provided, multiple submitters, no conflicts (Variation ID 184823 as of 2025-08-07). There is a moderate physicochemical difference between proline and leucine. The p.Pro41Leu variant is not predicted to introduce a novel splice site by any splice site algorithm. The nucleotide c.122 in BRCA2 is not conserved according to a GERP++ and PhyloP analysis of 100 vertebrates. For these reasons, this variant has been classified as Likely Benign.

PreventionGenetics, part of Exact Sciences
Classification: Likely benign for BRCA2-related condition. Last evaluated: 2025-07-08. Review status: criteria provided, single submitter. Criteria: ACMG Guidelines, 2015. Collection method: clinical testing. Allele origin: germline.
Comment: This variant is classified as likely benign based on ACMG/AMP sequence variant interpretation guidelines (Richards et al. 2015 PMID: 25741868, with internal and published modifications).

Myriad Genetics, Inc.
Classification: Likely benign for Breast-ovarian cancer, familial, susceptibility to, 2. Last evaluated: 2025-04-10. Review status: criteria provided, single submitter. Criteria: Myriad Autosomal Dominant, Autosomal Recessive and X-Linked Classification Criteria (2023). Collection method: clinical testing. Allele origin: unknown.
Comment: This variant is considered likely benign. This variant is strongly associated with less severe personal and family histories of cancer, typical for individuals without pathogenic variants in this gene [PMID: 25085752].

Mayo Clinic Laboratories, Mayo Clinic
Classification: Benign. Last evaluated: 2024-11-08. Review status: criteria provided, single submitter. Criteria: ACMG Guidelines, 2015. Collection method: clinical testing. Allele origin: germline. Observed: 2 variant alleles.
Comment: BS4, BP1_strong, BP5_strong

Blueprint Genetics
Classification: Likely benign. Last evaluated: 2024-09-25. Review status: criteria provided, single submitter. Criteria: ACMG Guidelines, 2015. Collection method: clinical testing. Allele origin: germline.

Genomic Medicine Center of Excellence, King Faisal Specialist Hospital and Research Centre
Classification: Likely benign for Breast-ovarian cancer, familial, susceptibility to, 2. Last evaluated: 2024-03-29. Review status: criteria provided, single submitter. Criteria: ACMG Guidelines, 2015. Collection method: clinical testing. Allele origin: germline.

All of Us Research Program, National Institutes of Health
Classification: Likely benign for Breast-ovarian cancer, familial, susceptibility to, 2. Last evaluated: 2023-08-23. Review status: criteria provided, single submitter. Criteria: ACMG Guidelines, 2015. Collection method: clinical testing. Allele origin: germline. Inheritance: Autosomal dominant inheritance. Observed: 2 variant alleles, 2 heterozygotes.
Comment: This study involves interpretation of variants in research participants for the purpose of population health screening. Participant phenotype was not available at the time of variant classification. Additional details can be found in publication PMID: 35346344, PMCID: PMC8962531

Laboratory for Molecular Medicine, Mass General Brigham Personalized Medicine
Classification: Likely benign. Last evaluated: 2022-06-30. Review status: criteria provided, single submitter. Criteria: ACMG Guidelines, 2015. Collection method: clinical testing. Allele origin: germline.
Comment: The p.Pro41Leu variant in BRCA2 is classified as likely benign due to a lack of conservation across species. 5 mammals (squirrel, rabbit, cow, black flying fox, megabat) carry a Leucine at this position despite high nearby amino acid conservation. In addition, computational prediction tools predict that this variant does not impact the protein. It has been identified in 1/113640 of European chromosomes by gnomAD. ACMG/AMP Criteria applied: BP4_Strong, PM2_Supporting.

Color Diagnostics, LLC DBA Color Health
Classification: Likely benign for Hereditary cancer-predisposing syndrome. Last evaluated: 2022-04-21. Review status: criteria provided, single submitter. Criteria: ACMG Guidelines, 2015. Collection method: clinical testing. Allele origin: germline.

GeneDx
Classification: Benign. Last evaluated: 2020-09-17. Review status: criteria provided, single submitter. Criteria: GeneDx Variant Classification Process June 2021. Collection method: clinical testing. Allele origin: germline. Affected: yes.
Comment: This variant is associated with the following publications: (PMID: 21120943, 25556971, 25348012, 27527004, 25801821, 26841698, 17333343, 30199306)

Ambry Genetics
Classification: Likely benign for Hereditary cancer-predisposing syndrome. Last evaluated: 2019-11-29. Review status: criteria provided, single submitter. Criteria: Ambry Variant Classification Scheme 2023. Collection method: clinical testing. Allele origin: germline.

Mendelics
Classification: Benign for Breast-ovarian cancer, familial, susceptibility to, 2. Last evaluated: 2019-05-28. Review status: criteria provided, single submitter. Criteria: Mendelics Assertion Criteria 2017. Collection method: clinical testing. Allele origin: unknown.

Literature cited by the submitters: PubMed 25085752 (cited by Myriad Genetics, Inc.); PubMed 34597585 (cited by Mayo Clinic Laboratories, Mayo Clinic and Laboratory for Molecular Medicine, Mass General Brigham Personalized Medicine); PubMed 30199306 (cited by Laboratory for Molecular Medicine, Mass General Brigham Personalized Medicine); PubMed 32994724 (cited by Laboratory for Molecular Medicine, Mass General Brigham Personalized Medicine); PubMed 25556971 (cited by Laboratory for Molecular Medicine, Mass General Brigham Personalized Medicine); PubMed 17333343 (cited by Ambry Genetics).

NM_000059.4(BRCA2):c.122C>T (p.Pro41Leu)

Gene: BRCA2 (BRCA2 DNA repair associated; plus strand). Cytogenetic location: 13q13.1.
Variant type: single nucleotide variant.
Coding change: c.122C>T on transcript NM_000059.4 (MANE Select); coding-DNA position 122, C replaced by T.
Protein change: p.Pro41Leu; replaces proline 41 with leucine.
Molecular consequence: missense variant.
Genome position (GRCh38, 1-based): chr13:32,319,131, C>T. VCF-style: chr13-32319131-C-T. GRCh37 (hg19) VCF-style: chr13-32893268-C-T.
Other names: p.Pro41Leu; short protein forms P41L.
Identifiers: ClinVar variation 184823 (VCV000184823.36), dbSNP rs786201716, ClinGen allele CA011245.